The following is an entry in ClinVar:

NM_001164462.2(MUC12):c.3812C>T (p.Pro1271Leu)

Gene: MUC12 (mucin 12, cell surface associated; plus strand). Cytogenetic location: 7q22.1.
Variant type: single nucleotide variant.
Coding change: c.3812C>T on transcript NM_001164462.2 (MANE Select); coding-DNA position 3812, C replaced by T.
Protein change: p.Pro1271Leu; replaces proline 1271 with leucine.
Molecular consequence: missense variant.
Genome position (GRCh38, 1-based): chr7:100,994,375, C>T. VCF-style: chr7-100994375-C-T. GRCh37 (hg19) VCF-style: chr7-100637656-C-T.
Other names: short protein forms P1271L.
Identifiers: ClinVar variation 2657809 (VCV002657809.24), dbSNP rs537007543, ClinGen allele CA4399538.

ClinVar aggregate classification (germline): Likely benign (1 of 4 stars; one submission).

Allele frequency attached by ClinVar (database versions not stated): 1000 Genomes Project 0.00180; ExAC 0.00910.

Submission:

CeGaT Center for Human Genetics Tuebingen
Classification: Likely benign. Last evaluated: 2024-07-01. Review status: criteria provided, single submitter. Criteria: CeGaT Center For Human Genetics Tuebingen Variant Classification Criteria Version 2. Collection method: clinical testing. Allele origin: germline. Affected: yes. Observed: 3 variant alleles.
Comment: MUC12: BP4, BS2